The following is an entry in ClinVar:

NM_021871.4(FGA):c.784G>A (p.Glu262Lys)

Gene: FGA (fibrinogen alpha chain; minus strand). Cytogenetic location: 4q31.3.
Variant type: single nucleotide variant.
Coding change: c.784G>A on transcript NM_021871.4 (MANE Select); coding-DNA position 784, G replaced by A.
Protein change: p.Glu262Lys; replaces glutamic acid 262 with lysine.
Molecular consequence: missense variant.
Genome position (GRCh38, 1-based): chr4:154,586,645, C>T on the plus strand (G>A on the coding strand, the complement: FGA is on the minus strand). VCF-style: chr4-154586645-C-T. GRCh37 (hg19) VCF-style: chr4-155507797-C-T.
Other names: c.784G>A, p.Glu262Lys (NM_000508.5); short protein forms E262K.
Identifiers: ClinVar variation 2293451 (VCV002293451.6), dbSNP rs1730730138, ClinGen allele CA358531132.

ClinVar aggregate classification (germline): Uncertain significance. Review status: criteria provided, multiple submitters, no conflicts (2 of 4 stars). 3 submissions from 3 submitters: Uncertain significance (3). Last evaluated 2025-01-21.

Conditions:
Familial visceral amyloidosis, Ostertag type (AMYLD2). Also called: Ostertag type amyloidosis; AMYLOIDOSIS, HEREDITARY SYSTEMIC 2; AMYLOIDOSIS VIII; Hereditary Renal Amyloidosis; Familial visceral amyloidosis; Amyloidosis, hepatic and systemic. Identifiers: Orphanet 85450, MedGen C0268389, MONDO:0007099, OMIM 105200.
Familial dysfibrinogenemia. Also called: Dysfibrinogenemia, congenital. Identifiers: Orphanet 335, Orphanet 98881, MedGen C0272350, MONDO:0014452, OMIM 616004.
Congenital afibrinogenemia. Identifiers: Orphanet 335, Orphanet 98880, MedGen C2584774, MONDO:0008737, OMIM 202400.
Inborn genetic diseases. Identifiers: MedGen C0950123, MeSH D030342.

Submissions (3):

GeneDx
Classification: Uncertain significance. Last evaluated: 2025-01-21. Review status: criteria provided, single submitter. Criteria: GeneDx Variant Classification Process June 2021. Collection method: clinical testing. Allele origin: germline. Affected: yes.
Comment: Not observed at significant frequency in large population cohorts (gnomAD); In silico analysis supports that this missense variant has a deleterious effect on protein structure/function; Has not been previously published as pathogenic or benign to our knowledge

Fulgent Genetics
Classification: Uncertain significance for Familial visceral amyloidosis, Ostertag type; Congenital afibrinogenemia; Familial dysfibrinogenemia. Last evaluated: 2024-05-29. Review status: criteria provided, single submitter. Criteria: ACMG Guidelines, 2015. Collection method: clinical testing. Allele origin: germline.

Ambry Genetics
Classification: Uncertain significance for Inborn genetic diseases. Last evaluated: 2022-06-08. Review status: criteria provided, single submitter. Criteria: Ambry Variant Classification Scheme 2023. Collection method: clinical testing. Allele origin: germline.